The following is an entry in ClinVar:

ClinVar aggregate classification (germline): Uncertain significance. Review status: criteria provided, multiple submitters, no conflicts (2 of 4 stars). 3 submissions from 3 submitters: Uncertain significance (3). Last evaluated 2024-07-22.

Conditions:
Hereditary cancer-predisposing syndrome. Also called: Tumor predisposition; Hereditary neoplastic syndrome; Neoplastic Syndromes, Hereditary; Hereditary Cancer Syndrome. Identifiers: Orphanet 140162, MedGen C0027672, MeSH D009386, MONDO:0015356.
Birt-Hogg-Dube syndrome. Also called: Birt Hogg Dubé syndrome. Identifiers: Orphanet 122, MedGen C0346010, MONDO:0800444.

Allele frequency attached by ClinVar (database versions not stated): gnomAD exomes below 0.00001.
gnomAD v4.1: 2 of 1,613,906 alleles (0.00012%); highest among the groups gnomAD compares: South Asian, 0.0022%; no homozygotes.

Submissions (3):

Labcorp Genetics (formerly Invitae), Labcorp
Classification: Uncertain significance for Birt-Hogg-Dube syndrome. Last evaluated: 2024-07-22. Review status: criteria provided, single submitter. Criteria: Invitae Variant Classification Sherloc (09022015). Collection method: clinical testing. Allele origin: germline.
Comment: This sequence change replaces glycine, which is neutral and non-polar, with arginine, which is basic and polar, at codon 34 of the FLCN protein (p.Gly34Arg). This variant is not present in population databases (gnomAD no frequency). This variant has not been reported in the literature in individuals affected with FLCN-related conditions. ClinVar contains an entry for this variant (Variation ID: 937384). Advanced modeling of protein sequence and biophysical properties (such as structural, functional, and spatial information, amino acid conservation, physicochemical variation, residue mobility, and thermodynamic stability) performed at Invitae indicates that this missense variant is not expected to disrupt FLCN protein function with a negative predictive value of 80%. In summary, the available evidence is currently insufficient to determine the role of this variant in disease. Therefore, it has been classified as a Variant of Uncertain Significance.

Ambry Genetics
Classification: Uncertain significance for Hereditary cancer-predisposing syndrome. Last evaluated: 2024-05-25. Review status: criteria provided, single submitter. Criteria: Ambry Variant Classification Scheme 2023. Collection method: clinical testing. Allele origin: germline.
Comment: The p.G34R variant (also known as c.100G>A), located in coding exon 1 of the FLCN gene, results from a G to A substitution at nucleotide position 100. The glycine at codon 34 is replaced by arginine, an amino acid with dissimilar properties. This amino acid position is not well conserved in available vertebrate species. In addition, the in silico prediction for this alteration is inconclusive. Since supporting evidence is limited at this time, the clinical significance of this alteration remains unclear.

GeneDx
Classification: Uncertain significance. Last evaluated: 2023-04-26. Review status: criteria provided, single submitter. Criteria: GeneDx Variant Classification Process June 2021. Collection method: clinical testing. Allele origin: germline. Affected: yes.
Comment: Not observed at significant frequency in large population cohorts (gnomAD); In silico analysis supports that this missense variant does not alter protein structure/function; Has not been previously published as pathogenic or benign to our knowledge

NM_144997.7(FLCN):c.100G>A (p.Gly34Arg)

Gene: FLCN (folliculin; minus strand). Cytogenetic location: 17p11.2.
Variant type: single nucleotide variant.
Coding change: c.100G>A on transcript NM_144997.7 (MANE Select); coding-DNA position 100, G replaced by A.
Protein change: p.Gly34Arg; replaces glycine 34 with arginine.
Molecular consequence: missense variant.
Genome position (GRCh38, 1-based): chr17:17,228,038, C>T on the plus strand (G>A on the coding strand, the complement: FLCN is on the minus strand). VCF-style: chr17-17228038-C-T. GRCh37 (hg19) VCF-style: chr17-17131352-C-T.
Other names: c.100G>A, p.Gly34Arg (NM_001353229.2, NM_001353230.2, NM_001353231.2 and 1 more transcripts); short protein forms G34R.
Identifiers: ClinVar variation 937384 (VCV000937384.11), dbSNP rs2047310577, ClinGen allele CA398535337.